The following is an entry in ClinVar:

NM_015909.4(NBAS):c.4798-2A>C

Gene: NBAS (NBAS subunit of NRZ tethering complex; minus strand). Cytogenetic location: 2p24.3.
Variant type: single nucleotide variant.
Coding change: c.4798-2A>C on transcript NM_015909.4 (MANE Select); the canonical splice acceptor site of the intron before coding-DNA position 4798, A replaced by C.
Molecular consequence: splice acceptor variant.
Genome position (GRCh38, 1-based): chr2:15,292,768, T>G on the plus strand (A>C on the coding strand, the complement: NBAS is on the minus strand). VCF-style: chr2-15292768-T-G. GRCh37 (hg19) VCF-style: chr2-15432892-T-G.
Identifiers: ClinVar variation 2058165 (VCV002058165.4), dbSNP rs1670368880, ClinGen allele CA345890484.

ClinVar aggregate classification (germline): Likely pathogenic (1 of 4 stars; one submission).

Submission:

Labcorp Genetics (formerly Invitae), Labcorp
Classification: Likely pathogenic. Last evaluated: 2025-03-26. Review status: criteria provided, single submitter. Criteria: Invitae Variant Classification Sherloc (09022015). Collection method: clinical testing. Allele origin: germline.
Comment: This sequence change affects an acceptor splice site in intron 40 of the NBAS gene. It is expected to disrupt RNA splicing. Variants that disrupt the donor or acceptor splice site typically lead to a loss of protein function (PMID: 16199547), and loss-of-function variants in NBAS are known to be pathogenic (PMID: 26073778, 26541327, 27789416, 28031453). This variant is not present in population databases (gnomAD no frequency). This variant has not been reported in the literature in individuals affected with NBAS-related conditions. ClinVar contains an entry for this variant (Variation ID: 2058165). Algorithms developed to predict the effect of sequence changes on RNA splicing suggest that this variant may disrupt the consensus splice site. In summary, the currently available evidence indicates that the variant is pathogenic, but additional data are needed to prove that conclusively. Therefore, this variant has been classified as Likely Pathogenic.

Literature cited by the submitters: PubMed 16199547; PubMed 26073778; PubMed 26541327; PubMed 27789416; PubMed 28031453.